The following is an entry in ClinVar:

NM_002693.3(POLG):c.2474T>G (p.Val825Gly)

Gene: POLG (DNA polymerase gamma, catalytic subunit; minus strand). Cytogenetic location: 15q26.1.
Variant type: single nucleotide variant.
Coding change: c.2474T>G on transcript NM_002693.3 (MANE Select); coding-DNA position 2474, T replaced by G.
Protein change: p.Val825Gly; replaces valine 825 with glycine.
Molecular consequence: missense variant.
Genome position (GRCh38, 1-based): chr15:89,321,968, A>C on the plus strand (T>G on the coding strand, the complement: POLG is on the minus strand). VCF-style: chr15-89321968-A-C. GRCh37 (hg19) VCF-style: chr15-89865199-A-C.
Other names: c.2474T>G, p.Val825Gly (NM_001126131.2); short protein forms V825G.
Identifiers: ClinVar variation 2809885 (VCV002809885.3), dbSNP rs763453929, ClinGen allele CA393754926.

ClinVar aggregate classification (germline): Uncertain significance (1 of 4 stars; one submission).

Conditions:
Progressive sclerosing poliodystrophy (MTDPS4A). Also called: ALPERS PROGRESSIVE INFANTILE POLIODYSTROPHY; NEURONAL DEGENERATION OF CHILDHOOD WITH LIVER DISEASE, PROGRESSIVE; Alpers Syndrome; ALPERS DIFFUSE DEGENERATION OF CEREBRAL GRAY MATTER WITH HEPATIC CIRRHOSIS; Alpers-Huttenlocher Syndrome; Mitochondrial DNA Depletion Syndrome 4A. Identifiers: Orphanet 726, MedGen C0205710, MONDO:0008758, OMIM 203700.

gnomAD v4.1: 1 of 1,614,126 alleles (0.000062%); highest among the groups gnomAD compares: African/African-American, 0.0013%; no homozygotes.

Submission:

Labcorp Genetics (formerly Invitae), Labcorp
Classification: Uncertain significance for Progressive sclerosing poliodystrophy. Last evaluated: 2023-11-27. Review status: criteria provided, single submitter. Criteria: Invitae Variant Classification Sherloc (09022015). Collection method: clinical testing. Allele origin: germline.
Comment: This sequence change replaces valine, which is neutral and non-polar, with glycine, which is neutral and non-polar, at codon 825 of the POLG protein (p.Val825Gly). This variant is not present in population databases (gnomAD no frequency). This variant has not been reported in the literature in individuals affected with POLG-related conditions. Advanced modeling of protein sequence and biophysical properties (such as structural, functional, and spatial information, amino acid conservation, physicochemical variation, residue mobility, and thermodynamic stability) performed at Invitae indicates that this missense variant is expected to disrupt POLG protein function with a positive predictive value of 95%. In summary, the available evidence is currently insufficient to determine the role of this variant in disease. Therefore, it has been classified as a Variant of Uncertain Significance.